The following is an entry in ClinVar:

ClinVar aggregate classification (germline): Uncertain significance (1 of 4 stars; one submission).

Conditions:
Cortical dysplasia-focal epilepsy syndrome (PTHSL1). Also called: Pitt-Hopkins-like syndrome 1. Identifiers: Orphanet 163681, Orphanet 221150, MedGen C2750246, MONDO:0012400, OMIM 610042.

Allele frequency attached by ClinVar (database versions not stated): TOPMed 0.00001; gnomAD 0.00002.
gnomAD v4.1: 4 of 1,613,804 alleles (0.00025%); highest among the groups gnomAD compares: African/African-American, 0.0053%; no homozygotes.

Submission:

Labcorp Genetics (formerly Invitae), Labcorp
Classification: Uncertain significance for Cortical dysplasia-focal epilepsy syndrome. Last evaluated: 2024-02-24. Review status: criteria provided, single submitter. Criteria: Invitae Variant Classification Sherloc (09022015). Collection method: clinical testing. Allele origin: germline.
Comment: This sequence change replaces valine, which is neutral and non-polar, with glycine, which is neutral and non-polar, at codon 265 of the CNTNAP2 protein (p.Val265Gly). This variant is present in population databases (no rsID available, gnomAD 0.02%). This variant has not been reported in the literature in individuals affected with CNTNAP2-related conditions. ClinVar contains an entry for this variant (Variation ID: 1366564). An algorithm developed to predict the effect of missense changes on protein structure and function (PolyPhen-2) suggests that this variant is likely to be tolerated. In summary, the available evidence is currently insufficient to determine the role of this variant in disease. Therefore, it has been classified as a Variant of Uncertain Significance.

NM_014141.6(CNTNAP2):c.794T>G (p.Val265Gly)

Gene: CNTNAP2 (contactin associated protein 2; plus strand). Cytogenetic location: 7q35.
Variant type: single nucleotide variant.
Coding change: c.794T>G on transcript NM_014141.6 (MANE Select); coding-DNA position 794, T replaced by G.
Protein change: p.Val265Gly; replaces valine 265 with glycine.
Molecular consequence: missense variant.
Genome position (GRCh38, 1-based): chr7:147,121,018, T>G. VCF-style: chr7-147121018-T-G. GRCh37 (hg19) VCF-style: chr7-146818110-T-G.
Other names: short protein forms V265G.
Identifiers: ClinVar variation 1366564 (VCV001366564.6), dbSNP rs1484355748, ClinGen allele CA369923794.